The following is an entry in ClinVar:

NM_002335.4(LRP5):c.3437G>T (p.Arg1146Leu)

Gene: LRP5 (LDL receptor related protein 5; plus strand). Cytogenetic location: 11q13.2.
Variant type: single nucleotide variant.
Coding change: c.3437G>T on transcript NM_002335.4 (MANE Select); coding-DNA position 3437, G replaced by T.
Protein change: p.Arg1146Leu; replaces arginine 1146 with leucine.
Molecular consequence: missense variant.
Genome position (GRCh38, 1-based): chr11:68,425,987, G>T. VCF-style: chr11-68425987-G-T. GRCh37 (hg19) VCF-style: chr11-68193455-G-T.
Other names: c.1694G>T, p.Arg565Leu (NM_001291902.2); short protein forms R565L, R1146L.
Identifiers: ClinVar variation 2087566 (VCV002087566.4), dbSNP rs370086361, ClinGen allele CA381621693.

ClinVar aggregate classification (germline): Uncertain significance (1 of 4 stars; one submission).

gnomAD v4.1: 2 of 1,611,302 alleles (0.00012%); no homozygotes.

Submission:

Labcorp Genetics (formerly Invitae), Labcorp
Classification: Uncertain significance. Last evaluated: 2024-05-29. Review status: criteria provided, single submitter. Criteria: Invitae Variant Classification Sherloc (09022015). Collection method: clinical testing. Allele origin: germline.
Comment: This sequence change replaces arginine, which is basic and polar, with leucine, which is neutral and non-polar, at codon 1146 of the LRP5 protein (p.Arg1146Leu). This variant is not present in population databases (gnomAD no frequency). This variant has not been reported in the literature in individuals affected with LRP5-related conditions. ClinVar contains an entry for this variant (Variation ID: 2087566). Advanced modeling of protein sequence and biophysical properties (such as structural, functional, and spatial information, amino acid conservation, physicochemical variation, residue mobility, and thermodynamic stability) has been performed at Invitae for this missense variant, however the output from this modeling did not meet the statistical confidence thresholds required to predict the impact of this variant on LRP5 protein function. In summary, the available evidence is currently insufficient to determine the role of this variant in disease. Therefore, it has been classified as a Variant of Uncertain Significance.